The following is an entry in ClinVar:

ClinVar aggregate classification (germline): Likely pathogenic (1 of 4 stars; one submission).

Allele frequency attached by ClinVar (database versions not stated): TOPMed below 0.00001.

Submission:

Labcorp Genetics (formerly Invitae), Labcorp
Classification: Likely pathogenic. Last evaluated: 2024-01-26. Review status: criteria provided, single submitter. Criteria: Invitae Variant Classification Sherloc (09022015). Collection method: clinical testing. Allele origin: germline.
Comment: This sequence change affects a donor splice site in intron 7 of the SLC27A4 gene. It is expected to disrupt RNA splicing. Variants that disrupt the donor or acceptor splice site typically lead to a loss of protein function (PMID: 16199547), and loss-of-function variants in SLC27A4 are known to be pathogenic (PMID: 19631310, 21450060). This variant is not present in population databases (gnomAD no frequency). This variant has not been reported in the literature in individuals affected with SLC27A4-related conditions. Algorithms developed to predict the effect of sequence changes on RNA splicing suggest that this variant may disrupt the consensus splice site. In summary, the currently available evidence indicates that the variant is pathogenic, but additional data are needed to prove that conclusively. Therefore, this variant has been classified as Likely Pathogenic.

Literature cited by the submitters: PubMed 16199547; PubMed 19631310; PubMed 21450060.

NM_005094.4(SLC27A4):c.987+2T>C

Gene: SLC27A4 (solute carrier family 27 member 4; plus strand). Cytogenetic location: 9q34.11.
Variant type: single nucleotide variant.
Coding change: c.987+2T>C on transcript NM_005094.4 (MANE Select); the canonical splice donor site of the intron after coding-DNA position 987, T replaced by C.
Molecular consequence: splice donor variant.
Genome position (GRCh38, 1-based): chr9:128,352,749, T>C. VCF-style: chr9-128352749-T-C. GRCh37 (hg19) VCF-style: chr9-131115028-T-C.
Identifiers: ClinVar variation 2777102 (VCV002777102.3), dbSNP rs1832756019, ClinGen allele CA375033913.